The following is an entry in ClinVar:

NM_000334.4(SCN4A):c.1926G>T (p.Trp642Cys)

Gene: SCN4A (sodium voltage-gated channel alpha subunit 4; minus strand). Cytogenetic location: 17q23.3.
Variant type: single nucleotide variant.
Coding change: c.1926G>T on transcript NM_000334.4 (MANE Select); coding-DNA position 1926, G replaced by T.
Protein change: p.Trp642Cys; replaces tryptophan 642 with cysteine.
Molecular consequence: missense variant.
Genome position (GRCh38, 1-based): chr17:63,959,358, C>A on the plus strand (G>T on the coding strand, the complement: SCN4A is on the minus strand). VCF-style: chr17-63959358-C-A. GRCh37 (hg19) VCF-style: chr17-62036718-C-A.
Other names: short protein forms W642C.
Identifiers: ClinVar variation 575671 (VCV000575671.14), dbSNP rs781412058, ClinGen allele CA8709706.

ClinVar aggregate classification (germline): Conflicting classifications of pathogenicity. Review status: criteria provided, conflicting classifications (1 of 4 stars). 5 submissions from 5 submitters: Uncertain significance (4); Likely benign (1). Last evaluated 2026-04-01.

Conditions:
Hyperkalemic periodic paralysis. Also called: Familial hyperkalemic periodic paralysis; Gamstorp disease. Identifiers: Orphanet 682, MedGen C0238357, MONDO:0008224, OMIM 170500, HP:0007215.
Congenital myasthenic syndrome 16. Identifiers: Orphanet 590, MedGen C3280112, MONDO:0013620, OMIM 614198.
Paramyotonia congenita of Von Eulenburg. Also called: Myotonia congenita intermittens; Von Eulenburg paramyotonia congenita; Paramyotonia Congenita; PARALYSIS PERIODICA PARAMYOTONICA; Eulenburg disease. Identifiers: Orphanet 684, MedGen C0221055, MONDO:0008195, OMIM 168300. Disease mechanism: loss of function.
Congenital myopathy 22A, classic (CMYO22A). Identifiers: MedGen C5830453, MONDO:0957247, OMIM 620351.
Congenital myopathy 22B, severe fetal (CMYO22B). Identifiers: MedGen C5830501, MONDO:0957265, OMIM 620369.
Hypokalemic periodic paralysis, type 2 (HOKPP2). Identifiers: Orphanet 681, MedGen C2750061, MONDO:0013234, OMIM 613345.
Potassium-aggravated myotonia. Also called: Myotonia congenita, atypical, acetazolamide-responsive; MYOTONIA CONGENITA, ACETAZOLAMIDE-RESPONSIVE; MYOTONIA CONGENITA, ATYPICAL; SODIUM CHANNEL MUSCLE DISEASE. Identifiers: Orphanet 612, Orphanet 99734, Orphanet 99735, Orphanet 99736, MedGen C2931826, MONDO:0018959, OMIM 608390.

Allele frequency attached by ClinVar (database versions not stated): gnomAD exomes 0.00002 and 0.00006; gnomAD 0.00027 and 0.00028; ExAC 0.00001; TOPMed 0.00024.

Submissions (5):

CeGaT Center for Human Genetics Tuebingen
Classification: Likely benign. Last evaluated: 2026-04-01. Review status: criteria provided, single submitter. Criteria: CeGaT Center For Human Genetics Tuebingen Variant Classification Criteria Version 2. Collection method: clinical testing. Allele origin: germline. Affected: yes. Observed: 1 variant allele.
Comment: SCN4A: PP3, BS1

Labcorp Genetics (formerly Invitae), Labcorp
Classification: Uncertain significance for Hyperkalemic periodic paralysis. Last evaluated: 2025-12-31. Review status: criteria provided, single submitter. Criteria: Invitae Variant Classification Sherloc (09022015). Collection method: clinical testing. Allele origin: germline.
Comment: This sequence change replaces tryptophan, which is neutral and slightly polar, with cysteine, which is neutral and slightly polar, at codon 642 of the SCN4A protein (p.Trp642Cys). This variant is present in population databases (rs781412058, gnomAD 0.04%). This variant has not been reported in the literature in individuals affected with SCN4A-related conditions. ClinVar contains an entry for this variant (Variation ID: 575671). Invitae Evidence Modeling of protein sequence and biophysical properties (such as structural, functional, and spatial information, amino acid conservation, physicochemical variation, residue mobility, and thermodynamic stability) indicates that this missense variant is expected to disrupt SCN4A protein function with a positive predictive value of 95%. In summary, the available evidence is currently insufficient to determine the role of this variant in disease. Therefore, it has been classified as a Variant of Uncertain Significance.

GeneDx
Classification: Uncertain significance. Last evaluated: 2025-05-13. Review status: criteria provided, single submitter. Criteria: GeneDx Variant Classification Process June 2021. Collection method: clinical testing. Allele origin: germline.
Comment: In silico analysis supports that this missense variant has a deleterious effect on protein structure/function; Has not been previously published as pathogenic or benign to our knowledge

Fulgent Genetics
Classification: Uncertain significance for Paramyotonia congenita of Von Eulenburg; Hyperkalemic periodic paralysis; Potassium-aggravated myotonia; Hypokalemic periodic paralysis, type 2; Congenital myasthenic syndrome 16; Congenital myopathy 22A, classic; Congenital myopathy 22B, severe fetal. Last evaluated: 2024-06-17. Review status: criteria provided, single submitter. Criteria: ACMG Guidelines, 2015. Collection method: clinical testing. Allele origin: germline.

AiLife Diagnostics
Classification: Uncertain significance. Last evaluated: 2021-08-05. Review status: criteria provided, single submitter. Criteria: ACMG Guidelines, 2015. Collection method: clinical testing. Allele origin: germline. Affected: yes. Observed: 1 variant allele.